The following is an entry in ClinVar:

ClinVar aggregate classification (germline): Uncertain significance (1 of 4 stars; one submission).

Allele frequency attached by ClinVar (database versions not stated): gnomAD exomes below 0.00001; gnomAD 0.00001; 1000 Genomes Project 0.00020; 1000 Genomes Project 30x 0.00031.
gnomAD v4.1: 4 of 1,611,962 alleles (0.00025%); highest among the groups gnomAD compares: Non-Finnish European, 0.00025%; no homozygotes.

Submission:

Laboratory for Molecular Medicine, Mass General Brigham Personalized Medicine
Classification: Uncertain significance. Last evaluated: 2013-10-03. Review status: criteria provided, single submitter. Criteria: LMM Criteria. Collection method: clinical testing. Allele origin: germline. Observed: 1 variant allele.
Comment: The Pro16418Thr variant in TTN has not been previously reported in individuals w ith cardiomyopathy or in large populations studies. Computational analyses (bio chemical amino acid properties, conservation, AlignGVGD, PolyPhen2, and SIFT) do not provide strong support for or against an impact to the protein. Additional information is needed to fully assess the clinical significance of this variant.

NM_001267550.2(TTN):c.56956C>A (p.Pro18986Thr)

Genes: TTN (titin; minus strand), TTN-AS1 (TTN antisense RNA 1; plus strand). Cytogenetic location: 2q31.2.
Variant type: single nucleotide variant.
Coding change: c.56956C>A on transcript NM_001267550.2 (MANE Select); coding-DNA position 56956, C replaced by A.
Protein change: p.Pro18986Thr; replaces proline 18986 with threonine.
Molecular consequence: missense variant.
Genome position (GRCh38, 1-based): chr2:178,598,754, G>T on the plus strand (C>A on the coding strand, the complement: TTN is on the minus strand). VCF-style: chr2-178598754-G-T. GRCh37 (hg19) VCF-style: chr2-179463481-G-T.
Other names: c.49252C>A, p.Pro16418Thr (NM_133378.4); c.52033C>A, p.Pro17345Thr (NM_001256850.1); c.29761C>A, p.Pro9921Thr (NM_003319.4); c.30136C>A, p.Pro10046Thr (NM_133432.3); c.30337C>A, p.Pro10113Thr (NM_133437.4); short protein forms P16418T, P18986T, P17345T, P10046T, P9921T, P10113T.
Identifiers: ClinVar variation 179363 (VCV000179363.5), dbSNP rs568015697, ClinGen allele CA184267.